The following is an entry in ClinVar:

ClinVar aggregate classification (germline): Uncertain significance. Review status: criteria provided, multiple submitters, no conflicts (2 of 4 stars). 3 submissions from 3 submitters: Uncertain significance (3). Last evaluated 2025-11-03.

Conditions:
Myofibrillar myopathy 3 (MFM3). Also called: Autosomal dominant spheroid body myopathy; Muscular dystrophy, proximal, type 1A. Identifiers: Orphanet 266, Orphanet 268129, MedGen C3714934, MONDO:0012215, OMIM 609200.

Allele frequency attached by ClinVar (database versions not stated): gnomAD exomes 0.00002 and 0.00003; TOPMed 0.00002; ExAC 0.00003; ESP Exome Variant Server 0.00008.
gnomAD v4.1: 45 of 1,613,894 alleles (0.0028%); highest among the groups gnomAD compares: Non-Finnish European, 0.0038%; no homozygotes.

Submissions (3):

Labcorp Genetics (formerly Invitae), Labcorp
Classification: Uncertain significance for Myofibrillar myopathy 3. Last evaluated: 2025-11-03. Review status: criteria provided, single submitter. Criteria: Invitae Variant Classification Sherloc (09022015). Collection method: clinical testing. Allele origin: germline.
Comment: This sequence change replaces glutamine, which is neutral and polar, with glutamic acid, which is acidic and polar, at codon 177 of the MYOT protein (p.Gln177Glu). This variant is present in population databases (rs140135928, gnomAD 0.004%). This variant has not been reported in the literature in individuals affected with MYOT-related conditions. ClinVar contains an entry for this variant (Variation ID: 1397935). An algorithm developed to predict the effect of missense changes on protein structure and function (PolyPhen-2) suggests that this variant is likely to be disruptive. In summary, the available evidence is currently insufficient to determine the role of this variant in disease. Therefore, it has been classified as a Variant of Uncertain Significance.

Revvity Omics, Revvity
Classification: Uncertain significance for Myofibrillar myopathy 3. Last evaluated: 2025-04-16. Review status: criteria provided, single submitter. Criteria: ACMG Guidelines, 2015. Collection method: clinical testing. Allele origin: germline.

Athena Diagnostics
Classification: Uncertain significance. Last evaluated: 2022-08-25. Review status: criteria provided, single submitter. Criteria: Athena Diagnostics Criteria. Collection method: clinical testing. Allele origin: unknown.

NM_006790.3(MYOT):c.529C>G (p.Gln177Glu)

Genes: PKD2L2-DT (PKD2L2 divergent transcript; minus strand), MYOT (myotilin; plus strand). Cytogenetic location: 5q31.2.
Variant type: single nucleotide variant.
Coding change: c.529C>G on transcript NM_006790.3 (MANE Select); coding-DNA position 529, C replaced by G.
Protein change: p.Gln177Glu; replaces glutamine 177 with glutamic acid.
Molecular consequence: missense variant. On other transcripts: 5 prime UTR variant (1).
Genome position (GRCh38, 1-based): chr5:137,876,001, C>G. VCF-style: chr5-137876001-C-G. GRCh37 (hg19) VCF-style: chr5-137211690-C-G.
Other names: c.-24C>G (NM_001135940.2); c.184C>G, p.Gln62Glu (NM_001300911.2); short protein forms Q177E, Q62E.
Identifiers: ClinVar variation 1397935 (VCV001397935.11), dbSNP rs140135928, ClinGen allele CA3422924.